The following is an entry in ClinVar:

ClinVar aggregate classification (germline): Likely benign (1 of 4 stars; one submission).

Submission:

CeGaT Center for Human Genetics Tuebingen
Classification: Likely benign. Last evaluated: 2026-05-01. Review status: criteria provided, single submitter. Criteria: CeGaT Center For Human Genetics Tuebingen Variant Classification Criteria Version 2. Collection method: clinical testing. Allele origin: germline. Affected: yes. Observed: 1 variant allele.
Comment: POLR2A: BP4, BP7

NM_000937.5(POLR2A):c.5517C>T (p.Tyr1839=)

Gene: POLR2A (RNA polymerase II subunit A; plus strand). Cytogenetic location: 17p13.1.
Variant type: single nucleotide variant.
Coding change: c.5517C>T on transcript NM_000937.5 (MANE Select); coding-DNA position 5517, C replaced by T.
Protein change: p.Tyr1839=; no amino-acid change (tyrosine 1839 retained).
Molecular consequence: synonymous variant.
Genome position (GRCh38, 1-based): chr17:7,513,783, C>T. VCF-style: chr17-7513783-C-T. GRCh37 (hg19) VCF-style: chr17-7417100-C-T.
Identifiers: ClinVar variation 4873884 (VCV004873884.2).